The following is an entry in ClinVar:

NM_005751.5(AKAP9):c.2582A>C (p.Tyr861Ser)

Gene: AKAP9 (A-kinase anchoring protein 9; plus strand). Cytogenetic location: 7q21.2.
Variant type: single nucleotide variant.
Coding change: c.2582A>C on transcript NM_005751.5 (MANE Select); coding-DNA position 2582, A replaced by C.
Protein change: p.Tyr861Ser; replaces tyrosine 861 with serine.
Molecular consequence: missense variant.
Genome position (GRCh38, 1-based): chr7:92,002,499, A>C. VCF-style: chr7-92002499-A-C. GRCh37 (hg19) VCF-style: chr7-91631813-A-C.
Other names: c.2582A>C, p.Tyr861Ser (NM_147185.3); short protein forms Y861S.
Identifiers: ClinVar variation 1793387 (VCV001793387.4), dbSNP rs752551147, ClinGen allele CA368124454.

ClinVar aggregate classification (germline): Uncertain significance. Review status: criteria provided, multiple submitters, no conflicts (2 of 4 stars). 2 submissions from 2 submitters: Uncertain significance (2). Last evaluated 2025-07-03.

Conditions:
Cardiovascular phenotype. Identifiers: MedGen CN230736.
Long QT syndrome (LQTS). Identifiers: MedGen C0023976, MeSH D008133, MONDO:0002442. Disease mechanism: loss of function. Inheritance: Various modes of inheritance.

Allele frequency attached by ClinVar (database versions not stated): gnomAD exomes below 0.00001; gnomAD 0.00001; TOPMed 0.00001.
gnomAD v4.1: 4 of 1,611,082 alleles (0.00025%); highest among the groups gnomAD compares: African/African-American, 0.0013%; no homozygotes.

Submissions (2):

Labcorp Genetics (formerly Invitae), Labcorp
Classification: Uncertain significance for Long QT syndrome. Last evaluated: 2025-07-03. Review status: criteria provided, single submitter. Criteria: Invitae Variant Classification Sherloc (09022015). Collection method: clinical testing. Allele origin: germline.
Comment: This sequence change replaces tyrosine, which is neutral and polar, with serine, which is neutral and polar, at codon 861 of the AKAP9 protein (p.Tyr861Ser). This variant is not present in population databases (gnomAD no frequency). This variant has not been reported in the literature in individuals affected with AKAP9-related conditions. ClinVar contains an entry for this variant (Variation ID: 1793387). An algorithm developed to predict the effect of missense changes on protein structure and function (PolyPhen-2) suggests that this variant is likely to be disruptive. In summary, the available evidence is currently insufficient to determine the role of this variant in disease. Therefore, it has been classified as a Variant of Uncertain Significance.

Ambry Genetics
Classification: Uncertain significance for Cardiovascular phenotype. Last evaluated: 2024-10-24. Review status: criteria provided, single submitter. Criteria: Ambry Variant Classification Scheme 2023. Collection method: clinical testing. Allele origin: germline.
Comment: The p.Y861S variant (also known as c.2582A>C), located in coding exon 8 of the AKAP9 gene, results from an A to C substitution at nucleotide position 2582. The tyrosine at codon 861 is replaced by serine, an amino acid with dissimilar properties. This amino acid position is well conserved in available vertebrate species. In addition, this alteration is predicted to be tolerated by in silico analysis. Since supporting evidence is limited at this time, the clinical significance of this alteration remains unclear.